The following is an entry in ClinVar:

NM_001844.5(COL2A1):c.2918C>A (p.Pro973His)

Gene: COL2A1 (collagen type II alpha 1 chain; minus strand). Cytogenetic location: 12q13.11.
Variant type: single nucleotide variant.
Coding change: c.2918C>A on transcript NM_001844.5 (MANE Select); coding-DNA position 2918, C replaced by A.
Protein change: p.Pro973His; replaces proline 973 with histidine.
Molecular consequence: missense variant.
Genome position (GRCh38, 1-based): chr12:47,978,376, G>T on the plus strand (C>A on the coding strand, the complement: COL2A1 is on the minus strand). VCF-style: chr12-47978376-G-T. GRCh37 (hg19) VCF-style: chr12-48372159-G-T.
Other names: c.2711C>A, p.Pro904His (NM_033150.3); short protein forms P904H, P973H.
Identifiers: ClinVar variation 2122563 (VCV002122563.4), dbSNP rs1437419245, ClinGen allele CA384541484.
Genomic context (GRCh38, chr12:47,978,376, plus strand): 5'-CCTCTCTCACCACGTTGCCCAGGCAGACCGACGATGCCTCTCTGACCAGCCAGACCCTGG[G>T]GACCTGGTGGACCTTCGGCACCCTGAGAGAGGAGAGGCAGGAGATGAGAACTGACAGTGG-3'
Protein context (NP_001835.3, residues 963-983): GPSGAEGPPG[Pro973His]QGLAGQRGIV

ClinVar aggregate classification (germline): Uncertain significance (1 of 4 stars; one submission).

Allele frequency attached by ClinVar (database versions not stated): TOPMed below 0.00001.

Submission:

Labcorp Genetics (formerly Invitae), Labcorp
Classification: Uncertain significance. Last evaluated: 2023-02-14. Review status: criteria provided, single submitter. Criteria: Invitae Variant Classification Sherloc (09022015). Collection method: clinical testing. Allele origin: germline.
Comment: This sequence change replaces proline, which is neutral and non-polar, with histidine, which is basic and polar, at codon 973 of the COL2A1 protein (p.Pro973His). This variant is not present in population databases (gnomAD no frequency). This variant has not been reported in the literature in individuals affected with COL2A1-related conditions. Advanced modeling of protein sequence and biophysical properties (such as structural, functional, and spatial information, amino acid conservation, physicochemical variation, residue mobility, and thermodynamic stability) performed at Invitae indicates that this missense variant is expected to disrupt COL2A1 protein function. In summary, the available evidence is currently insufficient to determine the role of this variant in disease. Therefore, it has been classified as a Variant of Uncertain Significance.